The following is an entry in ClinVar:

ClinVar aggregate classification (germline): Uncertain significance. Review status: criteria provided, multiple submitters, no conflicts (2 of 4 stars). 2 submissions from 2 submitters: Uncertain significance (2). Last evaluated 2025-12-23.

Conditions:
Inborn genetic diseases. Identifiers: MedGen C0950123, MeSH D030342.

Allele frequency attached by ClinVar (database versions not stated): TOPMed below 0.00001; gnomAD 0.00001; gnomAD exomes 0.00002; ExAC 0.00003.
gnomAD v4.1: 28 of 1,613,426 alleles (0.0017%); highest among the groups gnomAD compares: Non-Finnish European, 0.0021%; no homozygotes.

Submissions (2):

Labcorp Genetics (formerly Invitae), Labcorp
Classification: Uncertain significance. Last evaluated: 2025-12-23. Review status: criteria provided, single submitter. Criteria: Invitae Variant Classification Sherloc (09022015). Collection method: clinical testing. Allele origin: germline.
Comment: This sequence change replaces alanine, which is neutral and non-polar, with serine, which is neutral and polar, at codon 57 of the SEPT9 protein (p.Ala57Ser). This variant is present in population databases (rs752068732, gnomAD 0.007%). This variant has not been reported in the literature in individuals affected with SEPT9-related conditions. ClinVar contains an entry for this variant (Variation ID: 1682583). Invitae Evidence Modeling of protein sequence and biophysical properties (such as structural, functional, and spatial information, amino acid conservation, physicochemical variation, residue mobility, and thermodynamic stability) indicates that this missense variant is not expected to disrupt SEPT9 protein function with a negative predictive value of 80%. In summary, the available evidence is currently insufficient to determine the role of this variant in disease. Therefore, it has been classified as a Variant of Uncertain Significance.

Ambry Genetics
Classification: Uncertain significance for Inborn genetic diseases. Last evaluated: 2024-12-04. Review status: criteria provided, single submitter. Criteria: Ambry Variant Classification Scheme 2023. Collection method: clinical testing. Allele origin: germline.

NM_001113491.2(SEPTIN9):c.223G>T (p.Ala75Ser)

Gene: SEPTIN9 (septin 9; plus strand). Cytogenetic location: 17q25.3.
Variant type: single nucleotide variant.
Coding change: c.223G>T on transcript NM_001113491.2 (MANE Select); coding-DNA position 223, G replaced by T.
Protein change: p.Ala75Ser; replaces alanine 75 with serine.
Molecular consequence: missense variant. On other transcripts: 5 prime UTR variant (2).
Genome position (GRCh38, 1-based): chr17:77,402,205, G>T. VCF-style: chr17-77402205-G-T. GRCh37 (hg19) VCF-style: chr17-75398287-G-T.
Other names: c.169G>T (NM_006640.4); c.-270G>T (NM_001113492.2, NM_001113494.1); c.202G>T, p.Ala68Ser (NM_001113493.2); c.166G>T, p.Ala56Ser (NM_001293695.2); c.169G>T, p.Ala57Ser (NM_006640.5); short protein forms A56S, A57S, A68S, A75S.
Identifiers: ClinVar variation 1682583 (VCV001682583.7), dbSNP rs752068732, ClinGen allele CA8793145.